The following is an entry in ClinVar:

ClinVar aggregate classification (germline): Uncertain significance (0 of 4 stars; one submission).

Conditions:
IQCE-related disorder. Also called: IQCE-related condition.

Submission:

PreventionGenetics, part of Exact Sciences
Classification: Uncertain significance for IQCE-related condition. Last evaluated: 2024-02-27. Review status: no assertion criteria provided. Collection method: clinical testing. Allele origin: germline.
Comment: The IQCE c.865A>T variant is predicted to result in premature protein termination (p.Lys289*). To date, few protein-truncating variants have been reported in this gene in association with disease. To our knowledge, this variant has not been reported in literature or public databases. Although we suspect that this variant may be pathogenic, the clinical significance of this variant is classified as uncertain at this time due to the absence of conclusive functional and genetic evidence.

NM_152558.5(IQCE):c.865A>T (p.Lys289Ter)

Gene: IQCE (IQ motif containing E; plus strand). Cytogenetic location: 7p22.3.
Variant type: single nucleotide variant.
Coding change: c.865A>T on transcript NM_152558.5 (MANE Select); coding-DNA position 865, A replaced by T.
Protein change: p.Lys289Ter; replaces lysine 289 with a stop codon.
Molecular consequence: nonsense.
Genome position (GRCh38, 1-based): chr7:2,586,248, A>T. VCF-style: chr7-2586248-A-T. GRCh37 (hg19) VCF-style: chr7-2625882-A-T.
Other names: c.865A>T, p.Lys289Ter (NM_001287499.2); c.817A>T, p.Lys273Ter (NM_001287500.2, NM_001410865.1); c.670A>T, p.Lys224Ter (NM_001287501.2, NM_001287502.2); short protein forms K224*, K273*, K289*.
Identifiers: ClinVar variation 3029029 (VCV003029029.2), dbSNP rs1201249752, ClinGen allele CA366619889.